The following is an entry in ClinVar:

ClinVar aggregate classification (germline): Uncertain significance (1 of 4 stars; one submission).

Conditions:
Axenfeld-Rieger syndrome type 3 (RIEG3). Also called: AXENFELD-RIEGER ANOMALY WITH CARDIAC DEFECTS AND/OR SENSORINEURAL HEARING LOSS. Identifiers: Orphanet 782, MedGen C2678503, MONDO:0011233, OMIM 602482.

Submission:

Labcorp Genetics (formerly Invitae), Labcorp
Classification: Uncertain significance for Axenfeld-Rieger syndrome type 3. Last evaluated: 2024-12-02. Review status: criteria provided, single submitter. Criteria: Invitae Variant Classification Sherloc (09022015). Collection method: clinical testing. Allele origin: germline.
Comment: This sequence change affects codon 15 of the FOXC1 mRNA. It is a 'silent' change, meaning that it does not change the encoded amino acid sequence of the FOXC1 protein. This variant is not present in population databases (gnomAD no frequency). This variant has not been reported in the literature in individuals affected with FOXC1-related conditions. In summary, the available evidence is currently insufficient to determine the role of this variant in disease. Therefore, it has been classified as a Variant of Uncertain Significance.

NM_001453.3(FOXC1):c.45G>T (p.Val15=)

Gene: FOXC1 (forkhead box C1; plus strand). Cytogenetic location: 6p25.3.
Variant type: single nucleotide variant.
Coding change: c.45G>T on transcript NM_001453.3 (MANE Select); coding-DNA position 45, G replaced by T.
Protein change: p.Val15=; no amino-acid change (valine 15 retained).
Molecular consequence: synonymous variant.
Genome position (GRCh38, 1-based): chr6:1,610,490, G>T. VCF-style: chr6-1610490-G-T. GRCh37 (hg19) VCF-style: chr6-1610725-G-T.
Identifiers: ClinVar variation 3630659 (VCV003630659.2).